The following is an entry in ClinVar:

NM_194255.4(SLC19A1):c.1392G>A (p.Pro464=)

Gene: SLC19A1 (solute carrier family 19 member 1; minus strand). Cytogenetic location: 21q22.3.
Variant type: single nucleotide variant.
Coding change: c.1392G>A on transcript NM_194255.4 (MANE Select); coding-DNA position 1392, G replaced by A.
Protein change: p.Pro464=; no amino-acid change (proline 464 retained).
Molecular consequence: synonymous variant. On other transcripts: intron variant (2).
Genome position (GRCh38, 1-based): chr21:45,516,042, C>T on the plus strand (G>A on the coding strand, the complement: SLC19A1 is on the minus strand). VCF-style: chr21-45516042-C-T. GRCh37 (hg19) VCF-style: chr21-46935956-C-T.
Other names: c.1272G>A, p.Pro424= (NM_001205207.3); c.1038G>A, p.Pro346= (NM_001352510.2); c.1392G>A, p.Pro464= (NM_001352512.2); c.1294-890G>A (NM_001352511.3, NM_001205206.4).
Identifiers: ClinVar variation 2064055 (VCV002064055.10), dbSNP rs60669093, ClinGen allele CA10068303.
Genomic context (GRCh38, chr21:45,516,042, plus strand): 5'-CAGTGCCTGTGCTGCCTTCTCCTCCGCGGCACTCCTCAGGCCCTGGGCCGGGGGCTGCCG[C>T]GGGTGGTGGCCCCGCTGGCAGTGCCGCAGGCCATCCAGCATGGCCCCCAAGAAGTAGATG-3'
Protein context (NP_919231.1, residues 454-474): GLRHCQRGHH[Pro464=]RQPPAQGLRS

ClinVar aggregate classification (germline): Likely benign. Review status: criteria provided, multiple submitters, no conflicts (2 of 4 stars). 2 submissions from 2 submitters: Likely benign (2). Last evaluated 2025-11-01.

Allele frequency attached by ClinVar (database versions not stated): gnomAD 0.00006; gnomAD exomes 0.00007; ESP Exome Variant Server 0.00008; TOPMed 0.00012; ExAC 0.00015; 1000 Genomes Project 0.00020; 1000 Genomes Project 30x 0.00031.

Submissions (2):

CeGaT Center for Human Genetics Tuebingen
Classification: Likely benign. Last evaluated: 2025-11-01. Review status: criteria provided, single submitter. Criteria: CeGaT Center For Human Genetics Tuebingen Variant Classification Criteria Version 2. Collection method: clinical testing. Allele origin: germline. Affected: yes. Observed: 1 variant allele.
Comment: SLC19A1: BP4, BP7

Labcorp Genetics (formerly Invitae), Labcorp
Classification: Likely benign. Last evaluated: 2025-04-30. Review status: criteria provided, single submitter. Criteria: Invitae Variant Classification Sherloc (09022015). Collection method: clinical testing. Allele origin: germline.